The following is an entry in ClinVar:

ClinVar aggregate classification (germline): Uncertain significance. Review status: criteria provided, multiple submitters, no conflicts (2 of 4 stars). 2 submissions from 2 submitters: Uncertain significance (2). Last evaluated 2022-11-29.

Conditions:
Familial cancer of breast. Also called: Hereditary breast cancer; hereditary breast carcinoma; BREAST CANCER, FAMILIAL. Identifiers: Orphanet 227535, MedGen C0346153, MONDO:0016419, OMIM 114480. Disease mechanism: loss of function.
Ataxia-telangiectasia syndrome (AT). Also called: Ataxia telangiectasia (A-T); ATAXIA-TELANGIECTASIA, COMPLEMENTATION GROUP A; ATAXIA-TELANGIECTASIA, FRESNO VARIANT; Ataxia-telangiectasia; Ataxia-telangiectasia, complementation group E; LOUIS-BAR SYNDROME. Identifiers: Orphanet 100, MedGen C0004135, MONDO:0008840, OMIM 208900.

Submissions (2):

Department of Pathology and Laboratory Medicine, Sinai Health System
Classification: Uncertain significance for Familial cancer of breast. Last evaluated: 2022-11-29. Review status: criteria provided, single submitter. Criteria: ACMG Guidelines, 2015. Collection method: clinical testing. Allele origin: germline. Affected: yes.

Labcorp Genetics (formerly Invitae), Labcorp
Classification: Uncertain significance for Ataxia-telangiectasia syndrome. Last evaluated: 2020-05-15. Review status: criteria provided, single submitter. Criteria: Invitae Variant Classification Sherloc (09022015). Collection method: clinical testing. Allele origin: germline.
Comment: In summary, the available evidence is currently insufficient to determine the role of this variant in disease. Therefore, it has been classified as a Variant of Uncertain Significance. Algorithms developed to predict the effect of sequence changes on RNA splicing suggest that this variant may create or strengthen a splice site, but this prediction has not been confirmed by published transcriptional studies. Algorithms developed to predict the effect of missense changes on protein structure and function output the following: SIFT: "Tolerated"; PolyPhen-2: "Benign"; Align-GVGD: "Class C0". The glycine amino acid residue is found in multiple mammalian species, suggesting that this missense change does not adversely affect protein function. These predictions have not been confirmed by published functional studies and their clinical significance is uncertain. This variant has not been reported in the literature in individuals with ATM-related conditions. This variant is not present in population databases (ExAC no frequency). This sequence change replaces aspartic acid with glycine at codon 1968 of the ATM protein (p.Asp1968Gly). The aspartic acid residue is moderately conserved and there is a moderate physicochemical difference between aspartic acid and glycine.

NM_000051.4(ATM):c.5903A>G (p.Asp1968Gly)

Genes: ATM (ATM serine/threonine kinase; plus strand), C11orf65 (chromosome 11 open reading frame 65; minus strand). Cytogenetic location: 11q22.3.
Variant type: single nucleotide variant.
Coding change: c.5903A>G on transcript NM_000051.4 (MANE Select); coding-DNA position 5903, A replaced by G.
Protein change: p.Asp1968Gly; replaces aspartic acid 1968 with glycine.
Molecular consequence: missense variant. On other transcripts: intron variant (2).
Genome position (GRCh38, 1-based): chr11:108,310,300, A>G. VCF-style: chr11-108310300-A-G. GRCh37 (hg19) VCF-style: chr11-108181027-A-G.
Other names: c.5903A>G, p.Asp1968Gly (NM_001351834.2); c.641-1229T>C (NM_001330368.2); c.*39-1229T>C (NM_001351110.2); short protein forms D1968G.
Identifiers: ClinVar variation 1061143 (VCV001061143.10), dbSNP rs2136018837, ClinGen allele CA382548577.